The following is an entry in ClinVar:

NM_015662.3(IFT172):c.3926G>A (p.Gly1309Asp)

Genes: IFT172 (intraflagellar transport 172; minus strand), LOC126806173 (BRD4-independent group 4 enhancer GRCh37_chr2:27676057-27677256; plus strand). Cytogenetic location: 2p23.3.
Variant type: single nucleotide variant.
Coding change: c.3926G>A on transcript NM_015662.3 (MANE Select); coding-DNA position 3926, G replaced by A.
Protein change: p.Gly1309Asp; replaces glycine 1309 with aspartic acid.
Molecular consequence: missense variant.
Genome position (GRCh38, 1-based): chr2:27,453,409, C>T on the plus strand (G>A on the coding strand, the complement: IFT172 is on the minus strand). VCF-style: chr2-27453409-C-T. GRCh37 (hg19) VCF-style: chr2-27676276-C-T.
Other names: c.3860G>A, p.Gly1287Asp (NM_001410739.1); short protein forms G1287D, G1309D.
Identifiers: ClinVar variation 1912333 (VCV001912333.5), dbSNP rs776708575, ClinGen allele CA346377631.
Genomic context (GRCh38, chr2:27,453,409, plus strand): 5'-GAGAAGGAGGGCCAGAAAGGGCCTGCTGTCCTCACCTTCATCCAGCACTTCTCCGCCAGG[C>T]CGCTGTTTCCAGAGTCTCGCACTTTGAGGTAGCAGTCCACGGCACGGCTGTACTCTCCAG-3'
Protein context (NP_056477.1, residues 1299-1319): YLKVRDSGNS[Gly1309Asp]LAEKCWMKAA

ClinVar aggregate classification (germline): Uncertain significance (1 of 4 stars; one submission).

Conditions:
Short-rib thoracic dysplasia 10 with or without polydactyly (SRTD10). Identifiers: Orphanet 474, MedGen C3810175, MONDO:0014284, OMIM 615630.
Retinitis pigmentosa 71 (RP71). Identifiers: Orphanet 791, MedGen C4225342, MONDO:0014618, OMIM 616394.

gnomAD v4.1: 14 of 1,614,232 alleles (0.00087%); highest among the groups gnomAD compares: Non-Finnish European, 0.0012%; no homozygotes.

Submission:

Labcorp Genetics (formerly Invitae), Labcorp
Classification: Uncertain significance for Retinitis pigmentosa 71; Short-rib thoracic dysplasia 10 with or without polydactyly. Last evaluated: 2022-01-04. Review status: criteria provided, single submitter. Criteria: Invitae Variant Classification Sherloc (09022015). Collection method: clinical testing. Allele origin: germline.
Comment: In summary, the available evidence is currently insufficient to determine the role of this variant in disease. Therefore, it has been classified as a Variant of Uncertain Significance. Algorithms developed to predict the effect of missense changes on protein structure and function (SIFT, PolyPhen-2, Align-GVGD) all suggest that this variant is likely to be tolerated. This variant has not been reported in the literature in individuals affected with IFT172-related conditions. This variant is not present in population databases (gnomAD no frequency). This sequence change replaces glycine, which is neutral and non-polar, with aspartic acid, which is acidic and polar, at codon 1309 of the IFT172 protein (p.Gly1309Asp).